The following is an entry in ClinVar:

ClinVar aggregate classification (germline): Uncertain significance (1 of 4 stars; one submission).

Conditions:
Werner syndrome (WRN). Identifiers: Orphanet 902, MedGen C0043119, MONDO:0010196, OMIM 277700.

Submission:

Labcorp Genetics (formerly Invitae), Labcorp
Classification: Uncertain significance for Werner syndrome. Last evaluated: 2021-01-07. Review status: criteria provided, single submitter. Criteria: Invitae Variant Classification Sherloc (09022015). Collection method: clinical testing. Allele origin: germline.
Comment: In summary, the available evidence is currently insufficient to determine the role of this variant in disease. Therefore, it has been classified as a Variant of Uncertain Significance. Algorithms developed to predict the effect of missense changes on protein structure and function are either unavailable or do not agree on the potential impact of this missense change (SIFT: "Not Available"; PolyPhen-2: "Benign"; Align-GVGD: "Not Available"). This variant has not been reported in the literature in individuals with WRN-related conditions. This variant is not present in population databases (ExAC no frequency). This sequence change replaces proline with alanine at codon 615 of the WRN protein (p.Pro615Ala). The proline residue is moderately conserved and there is a small physicochemical difference between proline and alanine.

NM_000553.6(WRN):c.1843C>G (p.Pro615Ala)

Gene: WRN (WRN RecQ like helicase; plus strand). Cytogenetic location: 8p12.
Variant type: single nucleotide variant.
Coding change: c.1843C>G on transcript NM_000553.6 (MANE Select); coding-DNA position 1843, C replaced by G.
Protein change: p.Pro615Ala; replaces proline 615 with alanine.
Molecular consequence: missense variant.
Genome position (GRCh38, 1-based): chr8:31,091,843, C>G. VCF-style: chr8-31091843-C-G. GRCh37 (hg19) VCF-style: chr8-30949359-C-G.
Other names: short protein forms P615A.
Identifiers: ClinVar variation 1475676 (VCV001475676.6), dbSNP rs2130178431, ClinGen allele CA370928367.